The following is an entry in ClinVar:

NM_001330360.2(POLA1):c.898G>A (p.Val300Met)

Gene: POLA1 (DNA polymerase alpha 1, catalytic subunit; plus strand). Cytogenetic location: Xp22.11.
Variant type: single nucleotide variant.
Coding change: c.898G>A on transcript NM_001330360.2 (MANE Select); coding-DNA position 898, G replaced by A.
Protein change: p.Val300Met; replaces valine 300 with methionine.
Molecular consequence: missense variant. On other transcripts: non-coding transcript variant (2).
Genome position (GRCh38, 1-based): chrX:24,717,481, G>A. VCF-style: chrX-24717481-G-A. GRCh37 (hg19) VCF-style: chrX-24735598-G-A.
Other names: c.898G>A, p.Val300Met (NM_001378303.1); c.880G>A, p.Val294Met (NM_016937.4); short protein forms V300M, V294M.
Identifiers: ClinVar variation 1935831 (VCV001935831.5), dbSNP rs988600566, ClinGen allele CA326894572.

ClinVar aggregate classification (germline): Uncertain significance (1 of 4 stars; one submission).

Allele frequency attached by ClinVar (database versions not stated): gnomAD exomes below 0.00001.
gnomAD v4.1: 2 of 1,208,824 alleles (0.00017%); highest among the groups gnomAD compares: Middle Eastern, 0.046%; no homozygotes.

Submission:

Labcorp Genetics (formerly Invitae), Labcorp
Classification: Uncertain significance. Last evaluated: 2024-07-23. Review status: criteria provided, single submitter. Criteria: Invitae Variant Classification Sherloc (09022015). Collection method: clinical testing. Allele origin: germline.
Comment: This sequence change replaces valine, which is neutral and non-polar, with methionine, which is neutral and non-polar, at codon 294 of the POLA1 protein (p.Val294Met). This variant is not present in population databases (gnomAD no frequency). This variant has not been reported in the literature in individuals affected with POLA1-related conditions. ClinVar contains an entry for this variant (Variation ID: 1935831). Advanced modeling of protein sequence and biophysical properties (such as structural, functional, and spatial information, amino acid conservation, physicochemical variation, residue mobility, and thermodynamic stability) performed at Invitae indicates that this missense variant is not expected to disrupt POLA1 protein function with a negative predictive value of 80%. In summary, the available evidence is currently insufficient to determine the role of this variant in disease. Therefore, it has been classified as a Variant of Uncertain Significance.